The following is an entry in ClinVar:

ClinVar aggregate classification (germline): Uncertain significance (1 of 4 stars; one submission).

Conditions:
POLD1-related polyposis and colorectal cancer syndrome (CRCS10). Also called: Colorectal cancer 10; COLORECTAL CANCER, SUSCEPTIBILITY TO, ON CHROMOSOME 19q; Colorectal cancer, susceptibility to, 10. Identifiers: Orphanet 220460, MedGen C2675481, MONDO:0012953, OMIM 612591.

Submission:

Labcorp Genetics (formerly Invitae), Labcorp
Classification: Uncertain significance for POLD1-related polyposis and colorectal cancer syndrome. Last evaluated: 2022-09-01. Review status: criteria provided, single submitter. Criteria: Invitae Variant Classification Sherloc (09022015). Collection method: clinical testing. Allele origin: germline.
Comment: In summary, the available evidence is currently insufficient to determine the role of this variant in disease. Therefore, it has been classified as a Variant of Uncertain Significance. This variant has not been reported in the literature in individuals affected with POLD1-related conditions. This variant is not present in population databases (gnomAD no frequency). This sequence change creates a premature translational stop signal (p.Arg443Profs*192) in the POLD1 gene. Missense variants that disrupt the 3'-5' exonuclease (proof-reading) activity of the POLD1 protein are associated with PPAP (polymerase proofreading–associated polyposis) (PMID: 23263490, 23447401). However, loss-of-function variants that result in an absent or severely disrupted POLD1 protein, and missense variants outside the exonuclease domain, are unlikely to be associated with PPAP.

Literature cited by the submitters: PubMed 23263490; PubMed 23447401.

NM_002691.4(POLD1):c.1325dup (p.Arg443fs)

Gene: POLD1 (DNA polymerase delta 1, catalytic subunit; plus strand). Cytogenetic location: 19q13.33.
Variant type: Duplication.
Coding change: c.1325dup on transcript NM_002691.4 (MANE Select); coding-DNA position 1325, one base duplicated (G; older notation c.1325dupG).
Protein change: p.Arg443fs; shifts the reading frame from arginine 443.
Molecular consequence: frameshift variant. On other transcripts: non-coding transcript variant (1).
Genome position (GRCh38, 1-based): chr19:50,406,264, G duplicated; the last of 3 consecutive G bases (chr19:50,406,262-50,406,264); duplicating any one gives the same sequence. VCF-style (leftmost placement, unchanged base first): chr19-50406261-C-CG. GRCh37 (hg19) VCF-style: chr19-50909518-C-CG.
Other names: c.1325dup, p.Arg443fs (NM_001256849.1, NM_001308632.1); short protein forms R443fs.
Identifiers: ClinVar variation 2028503 (VCV002028503.4), dbSNP rs2513992038, ClinGen allele CA2580097613.
Genomic context (GRCh38, chr19:50,406,261, plus strand): 5'-TGGGCCGTGTGGCCGGCCTTTGCTCCAACATCCGGGACTCTTCATTCCAGTCCAAGCAGA[C>CG]GGGCCGGCGGGACACCAAGGTTGTCAGCATGGTGGGCCGCGTGCAGATGGACATGCTGCA-3'